The following is an entry in ClinVar:

ClinVar aggregate classification (germline): Likely pathogenic (1 of 4 stars; one submission).

Conditions:
Intellectual developmental disorder, X-linked, syndromic, Snyder-Robinson type. Also called: X-linked mental retardation Snyder - Robinson type; SNYDER-ROBINSON MENTAL RETARDATION SYNDROME; Spermine synthase deficiency; Syndromic X-linked intellectual disability Snyder type. Identifiers: Orphanet 3063, MedGen C0796160, MONDO:0010664, OMIM 309583.

Submission:

Clinical Biomedical Laboratory, Shriners Hospital For Children - Canada
Classification: Likely pathogenic for Intellectual developmental disorder, X-linked, syndromic, Snyder-Robinson type. Review status: criteria provided, single submitter. Criteria: ACMG Guidelines, 2015. Collection method: clinical testing. Allele origin: germline. Affected: yes.
Comment: This variant is predicted to substitute a glycine residue by a valine residue in SMS. This variant is absent in the Genome Aggregation Database (gnomAD v2.1.1), indicating it is very rare. Computational tools (REVEL: 0.88) suggest that the amino acid change is deleterious to protein function. This variant is not listed in ClinVar, but a different change of the same nucleotide (c.608G>A, p.Gly203Asp) has been reported as pathogenic in ClinVar (Variation ID 827761) and in the literature (PMID 33186760). Based on the ACMG variant interpretation guidelines (criteria: PM2, PM5, PP2, PP3), the available evidence supports classification of this variant as likely pathogenic.

NM_004595.5(SMS):c.608G>T (p.Gly203Val)

Gene: SMS (spermine synthase; plus strand). Cytogenetic location: Xp22.11.
Variant type: single nucleotide variant.
Coding change: c.608G>T on transcript NM_004595.5 (MANE Select); coding-DNA position 608, G replaced by T.
Protein change: p.Gly203Val; replaces glycine 203 with valine.
Molecular consequence: missense variant.
Genome position (GRCh38, 1-based): chrX:21,978,062, G>T. VCF-style: chrX-21978062-G-T. GRCh37 (hg19) VCF-style: chrX-21996180-G-T.
Other names: c.449G>T, p.Gly150Val (NM_001258423.2); short protein forms G150V, G203V.
Identifiers: ClinVar variation 4819344 (VCV004819344.1).
Genomic context (GRCh38, chrX:21,978,062, plus strand): 5'-GCAGTGGCAAAGAAGATTACACTGGCAAAGATGTACTCATTCTGGGAGGTGGAGACGGAG[G>T]CATATTGTGTGAAATAGTCAAACTAAAACCAAAGATGGTCACTATGGTAGAGATATCCTT-3'
Protein context (NP_004586.2, residues 193-213): DVLILGGGDG[Gly203Val]ILCEIVKLKP